The following is an entry in ClinVar:

NM_000083.3(CLCN1):c.128A>G (p.Gln43Arg)

Gene: CLCN1 (chloride voltage-gated channel 1; plus strand). Cytogenetic location: 7q34.
Variant type: single nucleotide variant.
Coding change: c.128A>G on transcript NM_000083.3 (MANE Select); coding-DNA position 128, A replaced by G.
Protein change: p.Gln43Arg; replaces glutamine 43 with arginine.
Molecular consequence: missense variant. On other transcripts: non-coding transcript variant (1).
Genome position (GRCh38, 1-based): chr7:143,316,340, A>G. VCF-style: chr7-143316340-A-G. GRCh37 (hg19) VCF-style: chr7-143013433-A-G.
Other names: short protein forms Q43R.
Identifiers: ClinVar variation 4686734 (VCV004686734.1).

ClinVar aggregate classification (germline): Likely pathogenic (1 of 4 stars; one submission).

gnomAD v4.1: 2 of 1,612,730 alleles (0.00012%); highest among the groups gnomAD compares: Non-Finnish European, 0.00017%; no homozygotes.

Submission:

GeneDx
Classification: Likely pathogenic. Last evaluated: 2025-07-23. Review status: criteria provided, single submitter. Criteria: GeneDx Variant Classification Process June 2021. Collection method: clinical testing. Allele origin: germline. Affected: yes.
Comment: Published functional studies demonstrate loss of plasma membrane localization and impaired macroscopic current amplitudes (PMID: 26502825); In silico analysis suggests that this missense variant does not alter protein structure/function; Not observed at significant frequency in large population cohorts (gnomAD); This variant is associated with the following publications: (PMID: 23152584, 32117034, 26502825, 31567646)